The following is an entry in ClinVar:

NM_025114.4(CEP290):c.246A>C (p.Lys82Asn)

Gene: CEP290 (centrosomal protein 290; minus strand). Cytogenetic location: 12q21.32.
Variant type: single nucleotide variant.
Coding change: c.246A>C on transcript NM_025114.4 (MANE Select); coding-DNA position 246, A replaced by C.
Protein change: p.Lys82Asn; replaces lysine 82 with asparagine.
Molecular consequence: missense variant.
Genome position (GRCh38, 1-based): chr12:88,139,499, T>G on the plus strand (A>C on the coding strand, the complement: CEP290 is on the minus strand). VCF-style: chr12-88139499-T-G. GRCh37 (hg19) VCF-style: chr12-88533276-T-G.
Other names: c.246A>C (NM_025114.3); short protein forms K82N.
Identifiers: ClinVar variation 2065254 (VCV002065254.5), dbSNP rs761233532, ClinGen allele CA6712873.

ClinVar aggregate classification (germline): Uncertain significance. Review status: criteria provided, multiple submitters, no conflicts (2 of 4 stars). 4 submissions from 4 submitters: Uncertain significance (3). 1 of the submissions does not count toward it. Last evaluated 2025-03-17.

Conditions:
Inborn genetic diseases. Identifiers: MedGen C0950123, MeSH D030342.
Joubert syndrome. Also called: Familial aplasia of the vermis; JOUBERT-BOLTSHAUSER SYNDROME. Identifiers: Orphanet 475, MedGen C5979921, MONDO:0018772.
Meckel-Gruber syndrome. Also called: DYSENCEPHALIA SPLANCHNOCYSTICA; GRUBER SYNDROME; Dysencephalia splachnocystica. Identifiers: Orphanet 564, MedGen C0265215, MONDO:0018921.
Nephronophthisis. Also called: Juvenile Nephronophthisis. Identifiers: Orphanet 655, MedGen C0687120, MONDO:0019005, HP:0000090.
CEP290-related disorder. Also called: CEP290-related condition; CEP290-related disorders. Identifiers: MedGen CN239314.

Allele frequency attached by ClinVar (database versions not stated): TOPMed 0.00001.
gnomAD v4.1: 51 of 1,598,940 alleles (0.0032%); highest among the groups gnomAD compares: Non-Finnish European, 0.0042%; no homozygotes.

Submissions (4):

Labcorp Genetics (formerly Invitae), Labcorp
Classification: Uncertain significance for Joubert syndrome; Meckel-Gruber syndrome; Nephronophthisis. Last evaluated: 2025-03-17. Review status: criteria provided, single submitter. Criteria: Invitae Variant Classification Sherloc (09022015). Collection method: clinical testing. Allele origin: germline.
Comment: This sequence change replaces lysine, which is basic and polar, with asparagine, which is neutral and polar, at codon 82 of the CEP290 protein (p.Lys82Asn). This variant is present in population databases (rs761233532, gnomAD 0.004%). This variant has not been reported in the literature in individuals affected with CEP290-related conditions. ClinVar contains an entry for this variant (Variation ID: 2065254). Invitae Evidence Modeling of protein sequence and biophysical properties (such as structural, functional, and spatial information, amino acid conservation, physicochemical variation, residue mobility, and thermodynamic stability) indicates that this missense variant is expected to disrupt CEP290 protein function with a positive predictive value of 80%. In summary, the available evidence is currently insufficient to determine the role of this variant in disease. Therefore, it has been classified as a Variant of Uncertain Significance.

Ambry Genetics
Classification: Uncertain significance for Inborn genetic diseases. Last evaluated: 2024-10-08. Review status: criteria provided, single submitter. Criteria: Ambry Variant Classification Scheme 2023. Collection method: clinical testing. Allele origin: germline.

Blueprint Genetics
Classification: Uncertain significance. Last evaluated: 2024-07-11. Review status: criteria provided, single submitter. Criteria: ACMG Guidelines, 2015. Collection method: clinical testing. Allele origin: germline.

PreventionGenetics, part of Exact Sciences
Classification: Uncertain significance for CEP290-related condition. Last evaluated: 2024-04-09. Review status: no assertion criteria provided. Collection method: clinical testing. Allele origin: germline. Not counted in ClinVar's aggregate classification.
Comment: The CEP290 c.246A>C variant is predicted to result in the amino acid substitution p.Lys82Asn. To our knowledge, this variant has not been reported in the literature. This variant is reported in 0.0042% of alleles in individuals of African descent in gnomAD. At this time, the clinical significance of this variant is uncertain due to the absence of conclusive functional and genetic evidence.